The following is an entry in ClinVar:

ClinVar aggregate classification (germline): Uncertain significance. Review status: criteria provided, multiple submitters, no conflicts (2 of 4 stars). 3 submissions from 3 submitters: Uncertain significance (3). Last evaluated 2024-10-30.

Conditions:
Hereditary cancer-predisposing syndrome. Also called: Neoplastic Syndromes, Hereditary; Hereditary neoplastic syndrome; Tumor predisposition; Hereditary Cancer Syndrome. Identifiers: Orphanet 140162, MedGen C0027672, MeSH D009386, MONDO:0015356.
Multiple endocrine neoplasia type 4. Also called: MULTIPLE ENDOCRINE NEOPLASIA, TYPE IV. Identifiers: Orphanet 276152, MedGen C1970712, MONDO:0012552, OMIM 610755.

Submissions (3):

Labcorp Genetics (formerly Invitae), Labcorp
Classification: Uncertain significance for Multiple endocrine neoplasia type 4. Last evaluated: 2024-10-30. Review status: criteria provided, single submitter. Criteria: Invitae Variant Classification Sherloc (09022015). Collection method: clinical testing. Allele origin: germline.
Comment: This sequence change results in a frameshift in the CDKN1B gene (p.Asn164Lysfs*39). While this is not anticipated to result in nonsense mediated decay, it is expected to disrupt the last 35 amino acid(s) of the CDKN1B protein and extend the protein by 3 additional amino acid residues. This variant is present in population databases (no rsID available, gnomAD 0.01%). This variant has not been reported in the literature in individuals affected with CDKN1B-related conditions. Experimental studies and prediction algorithms are not available or were not evaluated, and the functional significance of this variant is currently unknown. In summary, the available evidence is currently insufficient to determine the role of this variant in disease. Therefore, it has been classified as a Variant of Uncertain Significance.

GeneDx
Classification: Uncertain significance. Last evaluated: 2023-12-29. Review status: criteria provided, single submitter. Criteria: GeneDx Variant Classification Process June 2021. Collection method: clinical testing. Allele origin: germline. Affected: yes.
Comment: Frameshift variant predicted to result in abnormal protein length as the last 35 amino acids are replaced with 38 different amino acids; Not observed at significant frequency in large population cohorts (gnomAD); Has not been previously published as pathogenic or benign to our knowledge

Ambry Genetics
Classification: Uncertain significance for Hereditary cancer-predisposing syndrome. Last evaluated: 2023-07-18. Review status: criteria provided, single submitter. Criteria: Ambry Variant Classification Scheme 2023. Collection method: clinical testing. Allele origin: germline.
Comment: The c.492_496delCAAAA variant, located in coding exon 2 of the CDKN1B gene, results from a deletion of 5 nucleotides at nucleotide positions 492 to 496, causing a translational frameshift with a predicted alternate stop codon (p.N164Kfs*39).This alteration occurs at the 3' terminus of theCDKN1B gene, is not expected to trigger nonsense-mediated mRNAdecay and results in the elongation of the protein by three amino acids. This frameshift impacts the last 35amino acids of the native protein. The exact functional effect of the altered amino acids is unknown. Since supporting evidence is limited at this time, the clinical significance of this alteration remains unclear.

NM_004064.5(CDKN1B):c.492_496del (p.Asn164fs)

Gene: CDKN1B (cyclin dependent kinase inhibitor 1B; plus strand). Cytogenetic location: 12p13.1.
Variant type: Microsatellite.
Coding change: c.492_496del on transcript NM_004064.5 (MANE Select); coding-DNA positions 492 to 496, 5 bases deleted (CAAAA; older notation c.492_496delCAAAA).
Protein change: p.Asn164fs; shifts the reading frame from asparagine 164.
Molecular consequence: frameshift variant.
Genome position (GRCh38, 1-based): chr12:12,718,841-12,718,845, CAAAA deleted; deleting any 5 consecutive bases within chr12:12,718,836-12,718,845 gives the same sequence; the c. name uses the placement nearest the transcript's 3' end. VCF-style (leftmost placement, unchanged base first): chr12-12718835-TCAAAA-T. GRCh37 (hg19) VCF-style: chr12-12871769-TCAAAA-T.
Other names: c.492_496del (NM_004064.4); c.492_496delCAAAA (NM_004064.4); short protein forms N164fs.
Identifiers: ClinVar variation 661111 (VCV000661111.14), dbSNP rs1210577994, ClinGen allele CA603358668.